The following is an entry in ClinVar:

NM_001267550.2(TTN):c.73127del (p.Pro24376fs)

Genes: TTN-AS1 (TTN antisense RNA 1; plus strand), TTN (titin; minus strand). Cytogenetic location: 2q31.2.
Variant type: Deletion.
Coding change: c.73127del on transcript NM_001267550.2 (MANE Select); coding-DNA position 73127, one base deleted (C; older notation c.73127delC).
Protein change: p.Pro24376fs; shifts the reading frame from proline 24376.
Molecular consequence: frameshift variant.
Genome position (GRCh38, 1-based): chr2:178,573,005, G deleted on the plus strand (C on the coding strand, the reverse complement: TTN is on the minus strand); the first of 2 consecutive G bases (chr2:178,573,005-178,573,006); deleting either gives the same sequence. VCF-style (leftmost placement, unchanged base first): chr2-178573004-TG-T. GRCh37 (hg19) VCF-style: chr2-179437731-TG-T.
Other names: c.68204del, p.Pro22735fs (NM_001256850.1); c.45932del, p.Pro15311fs (NM_003319.4); c.65423del, p.Pro21808fs (NM_133378.4); c.46307del, p.Pro15436fs (NM_133432.3); c.46508del, p.Pro15503fs (NM_133437.4); short protein forms P15311fs, P21808fs, P22735fs, P15503fs, P15436fs, P24376fs.
Identifiers: ClinVar variation 4785360 (VCV004785360.1).

ClinVar aggregate classification (germline): Likely pathogenic (1 of 4 stars; one submission).

Conditions:
Autosomal recessive limb-girdle muscular dystrophy type 2J (LGMDR10). Also called: Limb-girdle muscular dystrophy, type 2J; MUSCULAR DYSTROPHY, LIMB-GIRDLE, AUTOSOMAL RECESSIVE 10. Identifiers: Orphanet 140922, MedGen C1837342, MONDO:0012127, OMIM 608807.
Dilated cardiomyopathy 1G (CMD1G). Identifiers: Orphanet 154, MedGen C1858763, MONDO:0011400, OMIM 604145.

Submission:

Labcorp Genetics (formerly Invitae), Labcorp
Classification: Likely pathogenic for Dilated cardiomyopathy 1G; Autosomal recessive limb-girdle muscular dystrophy type 2J. Last evaluated: 2025-06-22. Review status: criteria provided, single submitter. Criteria: Invitae Variant Classification Sherloc (09022015). Collection method: clinical testing. Allele origin: germline.
Comment: This sequence change creates a premature translational stop signal (p.Pro24376Glnfs*27) in the TTN gene. While this is not anticipated to result in nonsense mediated decay, it is expected to create a truncated TTN protein. This variant is not present in population databases (gnomAD no frequency). This variant has not been reported in the literature in individuals affected with TTN-related conditions. This variant is located in the A band of TTN (PMID: 25589632). Truncating variants in this region are significantly overrepresented in patients affected with dilated cardiomyopathy (PMID: 25589632). Truncating variants in this region have also been reported in individuals affected with autosomal recessive centronuclear myopathy (PMID: 23975875). In summary, the currently available evidence indicates that the variant is pathogenic, but additional data are needed to prove that conclusively. Therefore, this variant has been classified as Likely Pathogenic.

Literature cited by the submitters: PubMed 25589632; PubMed 23975875.